The following is an entry in ClinVar:

ClinVar aggregate classification (germline): Pathogenic (1 of 4 stars; one submission).

Conditions:
Hereditary breast ovarian cancer syndrome. Also called: BRCA1- and BRCA2-Associated Hereditary Breast and Ovarian Cancer; Breast and ovarian cancer; Hereditary breast and ovarian cancer syndrome (HBOC); Hereditary breast and ovarian cancer syndrome; Hereditary breast and/or ovarian cancer syndrome; Hereditary breast and ovarian cancer. Identifiers: Orphanet 145, MedGen C0677776, MeSH D061325, MONDO:0003582. Disease mechanism: loss of function.

Submission:

Labcorp Genetics (formerly Invitae), Labcorp
Classification: Pathogenic for Hereditary breast ovarian cancer syndrome. Last evaluated: 2024-07-09. Review status: criteria provided, single submitter. Criteria: Invitae Variant Classification Sherloc (09022015). Collection method: clinical testing. Allele origin: germline.
Comment: This sequence change affects a donor splice site in intron 16 of the BRCA2 gene. RNA analysis indicates that disruption of this splice site induces altered splicing and may result in an absent or altered protein product. This variant is not present in population databases (gnomAD no frequency). Disruption of this splice site has been observed in individual(s) with pancreatic cancer and/or ovarian cancer (PMID: 28767289, 30078507). Studies have shown that disruption of this splice site alters mRNA splicing and is expected to lead to the loss of protein expression (PMID: 29881398; Invitae). For these reasons, this variant has been classified as Pathogenic.

Literature cited by the submitters: PubMed 28767289; PubMed 30078507; PubMed 29881398.

NM_000059.4(BRCA2):c.7805+1G>T

Gene: BRCA2 (BRCA2 DNA repair associated; plus strand). Cytogenetic location: 13q13.1.
Variant type: single nucleotide variant.
Coding change: c.7805+1G>T on transcript NM_000059.4 (MANE Select); the canonical splice donor site of the intron after coding-DNA position 7805, G replaced by T.
Molecular consequence: splice donor variant.
Genome position (GRCh38, 1-based): chr13:32,357,930, G>T. VCF-style: chr13-32357930-G-T. GRCh37 (hg19) VCF-style: chr13-32932067-G-T.
Other names: c.7805+1G>T (NM_001432077.1, NM_001406720.1); c.7709+1G>T (NM_001406719.1); c.2873+1G>T (NM_001406721.1); c.1388+1G>T (NM_001406722.1).
Identifiers: ClinVar variation 3653290 (VCV003653290.2).